The following is an entry in ClinVar:

ClinVar aggregate classification (germline): Likely pathogenic (1 of 4 stars; one submission).

Conditions:
Cohen syndrome (COH1). Also called: PEPPER SYNDROME; Cutis verticis gyrata, retinitis pigmentosa, and sensorineural deafness. Identifiers: Orphanet 193, MedGen C0265223, MONDO:0008999, OMIM 216550.

Submission:

Natera, Inc.
Classification: Likely pathogenic for Cohen syndrome. Last evaluated: 2024-12-13. Review status: criteria provided, single submitter. Criteria: Natera Variant Classification Schema (03/2026). Collection method: clinical testing. Allele origin: germline.
Comment: The c.41dup variant in VPS13B is a frameshift variant predicted to shift the reading frame beginning at codon 15 and leads to a stop codon 50 codons downstream. This variant is expected to result in nonsense mediated decay, truncation, or a dysfunctional protein product. This variant is rare in the general population with a frequency below the threshold expected for the associated phenotype(s). Given the available evidence, this variant is classified as Likely Pathogenic.

NM_152564.5(VPS13B):c.41dup (p.Asn15fs)

Gene: VPS13B (vacuolar protein sorting 13 homolog B; plus strand). Cytogenetic location: 8q22.2.
Variant type: Duplication.
Coding change: c.41dup on transcript NM_152564.5 (MANE Select); coding-DNA position 41, one base duplicated (T; older notation c.41dupT).
Protein change: p.Asn15fs; shifts the reading frame from asparagine 15.
Molecular consequence: frameshift variant. On other transcripts: non-coding transcript variant (1).
Genome position (GRCh38, 1-based): chr8:99,013,829, T duplicated. VCF-style (leftmost placement, unchanged base first): chr8-99013828-G-GT. GRCh37 (hg19) VCF-style: chr8-100026056-G-GT.
Other names: c.41dup, p.Asn15fs (NM_017890.5, NM_181661.3, NM_015243.3); short protein forms N15fs.
Identifiers: ClinVar variation 4815951 (VCV004815951.1).